The following is an entry in ClinVar:

NM_000186.4(CFH):c.2824G>A (p.Val942Ile)

Gene: CFH (complement factor H; plus strand). Cytogenetic location: 1q31.3.
Variant type: single nucleotide variant.
Coding change: c.2824G>A on transcript NM_000186.4 (MANE Select); coding-DNA position 2824, G replaced by A.
Protein change: p.Val942Ile; replaces valine 942 with isoleucine.
Molecular consequence: missense variant.
Genome position (GRCh38, 1-based): chr1:196,740,660, G>A. VCF-style: chr1-196740660-G-A. GRCh37 (hg19) VCF-style: chr1-196709790-G-A.
Other names: short protein forms V942I.
Identifiers: ClinVar variation 3632798 (VCV003632798.2).

ClinVar aggregate classification (germline): Uncertain significance (1 of 4 stars; one submission).

Submission:

Labcorp Genetics (formerly Invitae), Labcorp
Classification: Uncertain significance. Last evaluated: 2024-02-07. Review status: criteria provided, single submitter. Criteria: Invitae Variant Classification Sherloc (09022015). Collection method: clinical testing. Allele origin: germline.
Comment: This sequence change replaces valine, which is neutral and non-polar, with isoleucine, which is neutral and non-polar, at codon 942 of the CFH protein (p.Val942Ile). This variant is not present in population databases (gnomAD no frequency). This variant has not been reported in the literature in individuals affected with CFH-related conditions. Algorithms developed to predict the effect of missense changes on protein structure and function output the following: SIFT: "Not Available"; PolyPhen-2: "Benign"; Align-GVGD: "Not Available". The isoleucine amino acid residue is found in multiple mammalian species, which suggests that this missense change does not adversely affect protein function. In summary, the available evidence is currently insufficient to determine the role of this variant in disease. Therefore, it has been classified as a Variant of Uncertain Significance.